The following is an entry in ClinVar:

NM_001042681.2(RERE):c.3095C>A (p.Pro1032His)

Gene: RERE (arginine-glutamic acid dipeptide repeats; minus strand). Cytogenetic location: 1p36.23.
Variant type: single nucleotide variant.
Coding change: c.3095C>A on transcript NM_001042681.2 (MANE Select); coding-DNA position 3095, C replaced by A.
Protein change: p.Pro1032His; replaces proline 1032 with histidine.
Molecular consequence: missense variant.
Genome position (GRCh38, 1-based): chr1:8,360,412, G>T on the plus strand (C>A on the coding strand, the complement: RERE is on the minus strand). VCF-style: chr1-8360412-G-T. GRCh37 (hg19) VCF-style: chr1-8420472-G-T.
Other names: c.1433C>A, p.Pro478His (NM_001042682.2); c.3095C>A, p.Pro1032His (NM_012102.4); short protein forms P478H, P1032H.
Identifiers: ClinVar variation 1031179 (VCV001031179.1), dbSNP rs1479474517, ClinGen allele CA338171273.

ClinVar aggregate classification (germline): Uncertain significance (1 of 4 stars; one submission).

Conditions:
Neurodevelopmental disorder with or without anomalies of the brain, eye, or heart (NEDBEH). Identifiers: Orphanet 494344, MedGen C5567477, MONDO:0014857, OMIM 616975.

Allele frequency attached by ClinVar (database versions not stated): gnomAD 0.00001.

Submission:

Baylor Genetics
Classification: Uncertain significance for Neurodevelopmental disorder with or without anomalies of the brain, eye, or heart. Last evaluated: 2020-03-18. Review status: criteria provided, single submitter. Criteria: ACMG Guidelines, 2015. Collection method: clinical testing. Allele origin: paternal. Affected: yes.
Comment: This variant was determined to be of uncertain significance according to ACMG Guidelines, 2015 [PMID:25741868].